The following is an entry in ClinVar:

ClinVar aggregate classification (germline): Conflicting classifications of pathogenicity. Review status: criteria provided, conflicting classifications (1 of 4 stars). 2 submissions from 2 submitters: Uncertain significance (1); Likely benign (1). Last evaluated 2023-11-14.

Conditions:
Birt-Hogg-Dube syndrome. Also called: Birt Hogg Dubé syndrome. Identifiers: Orphanet 122, MedGen C0346010, MONDO:0800444.
Hereditary cancer-predisposing syndrome. Also called: Hereditary neoplastic syndrome; Tumor predisposition; Neoplastic Syndromes, Hereditary; Hereditary Cancer Syndrome. Identifiers: Orphanet 140162, MedGen C0027672, MeSH D009386, MONDO:0015356.

Submissions (2):

Ambry Genetics
Classification: Likely benign for Hereditary cancer-predisposing syndrome. Last evaluated: 2023-11-14. Review status: criteria provided, single submitter. Criteria: Ambry Variant Classification Scheme 2023. Collection method: clinical testing. Allele origin: germline.

Labcorp Genetics (formerly Invitae), Labcorp
Classification: Uncertain significance for Birt-Hogg-Dube syndrome. Last evaluated: 2019-01-22. Review status: criteria provided, single submitter. Criteria: Invitae Variant Classification Sherloc (09022015). Collection method: clinical testing. Allele origin: germline.
Comment: This sequence change replaces histidine with glutamine at codon 423 of the FLCN protein (p.His423Gln). The histidine residue is weakly conserved and there is a small physicochemical difference between histidine and glutamine. This variant is not present in population databases (ExAC no frequency). This variant has not been reported in the literature in individuals with FLCN-related conditions. Algorithms developed to predict the effect of missense changes on protein structure and function output the following: SIFT: "Tolerated"; PolyPhen-2: "Benign"; Align-GVGD: "Class C0". The glutamine amino acid residue is found in multiple mammalian species, suggesting that this missense change does not adversely affect protein function. These predictions have not been confirmed by published functional studies and their clinical significance is uncertain. Algorithms developed to predict the effect of sequence changes on RNA splicing suggest that this variant may create or strengthen a splice site, but this prediction has not been confirmed by published transcriptional studies. In summary, the available evidence is currently insufficient to determine the role of this variant in disease. Therefore, it has been classified as a Variant of Uncertain Significance.

NM_144997.7(FLCN):c.1269C>G (p.His423Gln)

Gene: FLCN (folliculin; minus strand). Cytogenetic location: 17p11.2.
Variant type: single nucleotide variant.
Coding change: c.1269C>G on transcript NM_144997.7 (MANE Select); coding-DNA position 1269, C replaced by G.
Protein change: p.His423Gln; replaces histidine 423 with glutamine.
Molecular consequence: missense variant.
Genome position (GRCh38, 1-based): chr17:17,216,411, G>C on the plus strand (C>G on the coding strand, the complement: FLCN is on the minus strand). VCF-style: chr17-17216411-G-C. GRCh37 (hg19) VCF-style: chr17-17119725-G-C.
Other names: c.1323C>G, p.His441Gln (NM_001353229.2); c.1269C>G, p.His423Gln (NM_001353230.2, NM_001353231.2); short protein forms H441Q, H423Q.
Identifiers: ClinVar variation 860539 (VCV000860539.8), dbSNP rs41464156, ClinGen allele CA398531678.
Genomic context (GRCh38, chr17:17,216,411, plus strand): 5'-ATGGCCCCACAGCCCGCGGGGGCACGCACCTGAGGAGAGCACGTGGGGGGGGATCTGCAC[G>C]TGCGGGCTGAGCCCCAGGAAGTTGCACCGATAGGCCTCCTCGTACTGGCTGCTGTATGGG-3'
Protein context (NP_659434.2, residues 413-433): YRCNFLGLSP[His423Gln]VQIPPHVLSS